The following is an entry in ClinVar:

ClinVar aggregate classification (germline): Uncertain significance. Review status: criteria provided, multiple submitters, no conflicts (2 of 4 stars). 2 submissions from 2 submitters: Uncertain significance (2). Last evaluated 2022-05-09.

Conditions:
DICER1-related tumor predisposition. Also called: DICER1-related pleuropulmonary blastoma cancer predisposition syndrome; DICER1 syndrome. Identifiers: Orphanet 284343, MedGen C3839822, MONDO:0100216.
Hereditary cancer-predisposing syndrome. Also called: Tumor predisposition; Neoplastic Syndromes, Hereditary; Hereditary Cancer Syndrome; Hereditary neoplastic syndrome. Identifiers: Orphanet 140162, MedGen C0027672, MeSH D009386, MONDO:0015356.

Submissions (2):

Labcorp Genetics (formerly Invitae), Labcorp
Classification: Uncertain significance for DICER1-related tumor predisposition. Last evaluated: 2022-05-09. Review status: criteria provided, single submitter. Criteria: Invitae Variant Classification Sherloc (09022015). Collection method: clinical testing. Allele origin: germline.
Comment: This variant is not present in population databases (gnomAD no frequency). This sequence change replaces glutamic acid, which is acidic and polar, with lysine, which is basic and polar, at codon 431 of the DICER1 protein (p.Glu431Lys). This variant has not been reported in the literature in individuals affected with DICER1-related conditions. In summary, the available evidence is currently insufficient to determine the role of this variant in disease. Therefore, it has been classified as a Variant of Uncertain Significance. Algorithms developed to predict the effect of missense changes on protein structure and function (SIFT, PolyPhen-2, Align-GVGD) all suggest that this variant is likely to be tolerated.

Ambry Genetics
Classification: Uncertain significance for Hereditary cancer-predisposing syndrome. Last evaluated: 2021-04-02. Review status: criteria provided, single submitter. Criteria: Ambry Variant Classification Scheme 2023. Collection method: clinical testing. Allele origin: germline.
Comment: The p.E431K variant (also known as c.1291G>A), located in coding exon 7 of the DICER1 gene, results from a G to A substitution at nucleotide position 1291. The glutamic acid at codon 431 is replaced by lysine, an amino acid with similar properties. This amino acid position is highly conserved in available vertebrate species. In addition, the in silico prediction for this alteration is inconclusive. Since supporting evidence is limited at this time, the clinical significance of this alteration remains unclear.

NM_177438.3(DICER1):c.1291G>A (p.Glu431Lys)

Gene: DICER1 (dicer 1, ribonuclease III; minus strand). Cytogenetic location: 14q32.13.
Variant type: single nucleotide variant.
Coding change: c.1291G>A on transcript NM_177438.3 (MANE Select); coding-DNA position 1291, G replaced by A.
Protein change: p.Glu431Lys; replaces glutamic acid 431 with lysine.
Molecular consequence: missense variant. On other transcripts: 5 prime UTR variant (1), non-coding transcript variant (6).
Genome position (GRCh38, 1-based): chr14:95,124,281, C>T on the plus strand (G>A on the coding strand, the complement: DICER1 is on the minus strand). VCF-style: chr14-95124281-C-T. GRCh37 (hg19) VCF-style: chr14-95590618-C-T.
Other names: c.1291G>A, p.Glu431Lys (NM_001195573.1, NM_001271282.3, NM_001291628.2 and 15 more transcripts); c.1009G>A, p.Glu337Lys (NM_001395686.1); c.886G>A, p.Glu296Lys (NM_001395687.1, NM_001395688.1, NM_001395689.1 and 3 more transcripts); c.724G>A, p.Glu242Lys (NM_001395691.1); c.-278G>A (NM_001395697.1); short protein forms E431K, E242K, E296K, E337K.
Identifiers: ClinVar variation 1769117 (VCV001769117.7), dbSNP rs2140201828, ClinGen allele CA390886308.